The following is an entry in ClinVar:

ClinVar aggregate classification (germline): Uncertain significance (1 of 4 stars; one submission).

Conditions:
Early-infantile DEE. Also called: Early infantile epileptic encephalopathy; Early infantile epileptic encephalopathy with suppression bursts; Ohtahara syndrome. Identifiers: Orphanet 1934, MedGen C0393706, MONDO:0800491.

Submission:

Labcorp Genetics (formerly Invitae), Labcorp
Classification: Uncertain significance for Early-infantile DEE. Last evaluated: 2025-12-02. Review status: criteria provided, single submitter. Criteria: Invitae Variant Classification Sherloc (09022015). Collection method: clinical testing. Allele origin: germline.
Comment: This sequence change replaces asparagine, which is neutral and polar, with lysine, which is basic and polar, at codon 199 of the CACNA2D2 protein (p.Asn199Lys). This variant is not present in population databases (gnomAD no frequency). This variant has not been reported in the literature in individuals affected with CACNA2D2-related conditions. An algorithm developed to predict the effect of missense changes on protein structure and function (PolyPhen-2) suggests that this variant is likely to be disruptive. In summary, the available evidence is currently insufficient to determine the role of this variant in disease. Therefore, it has been classified as a Variant of Uncertain Significance.

NM_006030.4(CACNA2D2):c.597C>G (p.Asn199Lys)

Gene: CACNA2D2 (calcium voltage-gated channel auxiliary subunit alpha2delta 2; minus strand). Cytogenetic location: 3p21.31.
Variant type: single nucleotide variant.
Coding change: c.597C>G on transcript NM_006030.4 (MANE Select); coding-DNA position 597, C replaced by G.
Protein change: p.Asn199Lys; replaces asparagine 199 with lysine.
Molecular consequence: missense variant.
Genome position (GRCh38, 1-based): chr3:50,384,251, G>C on the plus strand (C>G on the coding strand, the complement: CACNA2D2 is on the minus strand). VCF-style: chr3-50384251-G-C. GRCh37 (hg19) VCF-style: chr3-50421682-G-C.
Other names: c.597C>G, p.Asn199Lys (NM_001005505.3, NM_001174051.3, NM_001410768.1); c.390C>G, p.Asn130Lys (NM_001291101.1); short protein forms N130K, N199K.
Identifiers: ClinVar variation 4731984 (VCV004731984.1).